The following is an entry in ClinVar:

NM_001923.5(DDB1):c.1784C>T (p.Thr595Ile)

Gene: DDB1 (damage specific DNA binding protein 1; minus strand). Cytogenetic location: 11q12.2.
Variant type: single nucleotide variant.
Coding change: c.1784C>T on transcript NM_001923.5 (MANE Select); coding-DNA position 1784, C replaced by T.
Protein change: p.Thr595Ile; replaces threonine 595 with isoleucine.
Molecular consequence: missense variant.
Genome position (GRCh38, 1-based): chr11:61,313,939, G>A on the plus strand (C>T on the coding strand, the complement: DDB1 is on the minus strand). VCF-style: chr11-61313939-G-A. GRCh37 (hg19) VCF-style: chr11-61081411-G-A.
Other names: short protein forms T595I.
Identifiers: ClinVar variation 5020142 (VCV005020142.1).
Genomic context (GRCh38, chr11:61,313,939, plus strand): 5'-CCAAAGTAGAAAAGCGCTCCATCTCCCAAGGCACAAAGGAGGTAATGGCTACTCTCAAAG[G>A]TGGTCATCAGGATGGAGCGAGGAATGATCTCTGTGAGAAAGGGGGACATTATGTTCTTGT-3'
Protein context (NP_001914.3, residues 585-605): EIIPRSILMT[Thr595Ile]FESSHYLLCA

ClinVar aggregate classification (germline): Uncertain significance (1 of 4 stars; one submission).

gnomAD v4.1: 1 of 1,614,166 alleles (0.000062%); highest among the groups gnomAD compares: Non-Finnish European, 0.000085%; no homozygotes.

Submission:

Dasa
Classification: Uncertain significance. Last evaluated: 2026-07-24. Review status: criteria provided, single submitter. Criteria: DASA Assertion Criteria. Collection method: clinical testing. Allele origin: germline.
Comment: NM_001923.5(DDB1):c.1784C>T (p.Thr595Ile) is a missense variant that results in the substitution of threonine with isoleucine. This variant is rare in population databases. The currently available literature and clinical evidence are not sufficient to establish a definitive association between this variant and the reported condition. Therefore, this variant is classified as a variant of uncertain significance.